The following is an entry in ClinVar:

NM_032575.3(GLIS2):c.1311A>C (p.Ala437=)

Gene: GLIS2 (GLIS family zinc finger 2; plus strand). Cytogenetic location: 16p13.3.
Variant type: single nucleotide variant.
Coding change: c.1311A>C on transcript NM_032575.3 (MANE Select); coding-DNA position 1311, A replaced by C.
Protein change: p.Ala437=; no amino-acid change (alanine 437 retained).
Molecular consequence: synonymous variant.
Genome position (GRCh38, 1-based): chr16:4,337,260, A>C. VCF-style: chr16-4337260-A-C. GRCh37 (hg19) VCF-style: chr16-4387261-A-C.
Other names: p.Ala437=; c.1311A>C, p.Ala437= (NM_001318918.2).
Identifiers: ClinVar variation 96223 (VCV000096223.25), dbSNP rs3810817, ClinGen allele CA251329.

ClinVar aggregate classification (germline): Benign. Review status: criteria provided, multiple submitters, no conflicts (2 of 4 stars). 8 submissions from 8 submitters: Benign (8). Last evaluated 2026-02-03.

Conditions:
Nephronophthisis. Also called: Juvenile Nephronophthisis. Identifiers: Orphanet 655, MedGen C0687120, MONDO:0019005, HP:0000090.
Nephronophthisis 7 (NPHP7). Identifiers: Orphanet 655, MedGen C1969092, MONDO:0012680, OMIM 611498.

Allele frequency attached by ClinVar (database versions not stated): gnomAD exomes 0.16915; ExAC 0.20892; ESP Exome Variant Server 0.23345; gnomAD 0.26848 and 0.27719; TOPMed 0.28852; 1000 Genomes Project 0.29912; 1000 Genomes Project 30x 0.31074.
gnomAD v4.1: 230,118 of 1,548,916 alleles (15%); highest among the groups gnomAD compares: African/African-American, 60%; 25,910 homozygotes.

Submissions (8):

Labcorp Genetics (formerly Invitae), Labcorp
Classification: Benign for Nephronophthisis. Last evaluated: 2026-02-03. Review status: criteria provided, single submitter. Criteria: Invitae Variant Classification Sherloc (09022015). Collection method: clinical testing. Allele origin: germline.

Blueprint Genetics
Classification: Benign. Last evaluated: 2024-11-27. Review status: criteria provided, single submitter. Criteria: ACMG Guidelines, 2015. Collection method: clinical testing. Allele origin: germline.

Mayo Clinic Laboratories, Mayo Clinic
Classification: Benign. Last evaluated: 2022-03-09. Review status: criteria provided, single submitter. Criteria: ACMG Guidelines, 2015. Collection method: clinical testing. Allele origin: germline. Observed: 59 variant alleles.

GeneDx
Classification: Benign. Last evaluated: 2018-07-05. Review status: criteria provided, single submitter. Criteria: GeneDx Variant Classification Process June 2021. Collection method: clinical testing. Allele origin: germline. Affected: yes.

Illumina Laboratory Services, Illumina
Classification: Benign for Nephronophthisis 7. Last evaluated: 2018-01-13. Review status: criteria provided, single submitter. Criteria: ICSL Variant Classification Criteria 13 December 2019. Collection method: clinical testing. Allele origin: germline.
Comment: This variant was observed in the ICSL laboratory as part of a predisposition screen in an ostensibly healthy population. It had not been previously curated by ICSL or reported in the Human Gene Mutation Database (HGMD: prior to June 1st, 2018), and was therefore a candidate for classification through an automated scoring system. Utilizing variant allele frequency, disease prevalence and penetrance estimates, and inheritance mode, an automated score was calculated to assess if this variant is too frequent to cause the disease. Based on the score and internal cut-off values, a variant classified as benign is not then subjected to further curation. The score for this variant resulted in a classification of benign for this disease.

Eurofins Ntd Llc (ga)
Classification: Benign. Last evaluated: 2013-04-05. Review status: criteria provided, single submitter. Criteria: EGL Classification Definitions 2015. Collection method: clinical testing. Allele origin: germline. Observed: 3 variant alleles, 3 heterozygotes.

Breakthrough Genomics
Classification: Benign. Review status: criteria provided, single submitter. Criteria: ACMG Guidelines, 2015. Collection method: not provided. Allele origin: germline. Inheritance: Unknown mechanism. Affected: yes.

PreventionGenetics, part of Exact Sciences
Classification: Benign. Review status: criteria provided, single submitter. Criteria: ACMG Guidelines, 2015. Collection method: clinical testing. Allele origin: germline.